The following is an entry in ClinVar:

ClinVar aggregate classification (germline): Likely benign. Review status: criteria provided, multiple submitters, no conflicts (2 of 4 stars). 5 submissions from 5 submitters: Likely benign (4). 1 of the submissions does not count toward it. Last evaluated 2025-12-08.

Conditions:
TNXB-related disorder. Also called: TNXB-related condition.
Cardiovascular phenotype. Identifiers: MedGen CN230736.

Allele frequency attached by ClinVar (database versions not stated): gnomAD exomes 0.00003 and 0.00004; gnomAD 0.00004 and 0.00003; TOPMed 0.00005; ExAC 0.00006.
gnomAD v4.1: 55 of 1,613,108 alleles (0.0034%); highest among the groups gnomAD compares: East Asian, 0.022%; no homozygotes.

Submissions (5):

Labcorp Genetics (formerly Invitae), Labcorp
Classification: Likely benign. Last evaluated: 2025-12-08. Review status: criteria provided, single submitter. Criteria: Invitae Variant Classification Sherloc (09022015). Collection method: clinical testing. Allele origin: germline.

Ambry Genetics
Classification: Likely benign for Cardiovascular phenotype. Last evaluated: 2020-12-28. Review status: criteria provided, single submitter. Criteria: Ambry Variant Classification Scheme 2023. Collection method: clinical testing. Allele origin: germline.

GeneDx
Classification: Likely benign. Last evaluated: 2019-05-30. Review status: criteria provided, single submitter. Criteria: GeneDx Variant Classification Process June 2021. Collection method: clinical testing. Allele origin: germline. Affected: yes.

Breakthrough Genomics
Classification: Likely benign. Review status: criteria provided, single submitter. Criteria: ACMG Guidelines, 2015. Collection method: not provided. Allele origin: germline. Inheritance: Autosomal recessive inheritance. Affected: yes.

PreventionGenetics, part of Exact Sciences
Classification: Likely benign for TNXB-related condition. Last evaluated: 2019-05-01. Review status: no assertion criteria provided. Collection method: clinical testing. Allele origin: germline. Not counted in ClinVar's aggregate classification.
Comment: This variant is classified as likely benign based on ACMG/AMP sequence variant interpretation guidelines (Richards et al. 2015 PMID: 25741868, with internal and published modifications).

NM_001365276.2(TNXB):c.8013G>A (p.Ala2671=)

Gene: TNXB (tenascin XB; minus strand). Cytogenetic location: 6p21.33.
Variant type: single nucleotide variant.
Coding change: c.8013G>A on transcript NM_001365276.2 (MANE Select); coding-DNA position 8013, G replaced by A.
Protein change: p.Ala2671=; no amino-acid change (alanine 2671 retained).
Molecular consequence: synonymous variant.
Genome position (GRCh38, 1-based): chr6:32,056,716, C>T on the plus strand (G>A on the coding strand, the complement: TNXB is on the minus strand). VCF-style: chr6-32056716-C-T. GRCh37 (hg19) VCF-style: chr6-32024493-C-T.
Other names: c.8013G>A, p.Ala2671= (NM_019105.8).
Identifiers: ClinVar variation 1201091 (VCV001201091.8), dbSNP rs772411052, ClinGen allele CA3733990.